The following is an entry in ClinVar:

ClinVar aggregate classification (germline): Likely benign. Review status: criteria provided, multiple submitters, no conflicts (2 of 4 stars). 2 submissions from 2 submitters: Likely benign (2). Last evaluated 2025-07-23.

Conditions:
Dilated cardiomyopathy 1G (CMD1G). Identifiers: Orphanet 154, MedGen C1858763, MONDO:0011400, OMIM 604145.
Autosomal recessive limb-girdle muscular dystrophy type 2J (LGMDR10). Also called: Limb-girdle muscular dystrophy, type 2J; MUSCULAR DYSTROPHY, LIMB-GIRDLE, AUTOSOMAL RECESSIVE 10. Identifiers: Orphanet 140922, MedGen C1837342, MONDO:0012127, OMIM 608807.

Allele frequency attached by ClinVar (database versions not stated): gnomAD exomes 0.00001; TOPMed 0.00001; ExAC 0.00002.
gnomAD v4.1: 8 of 1,612,030 alleles (0.0005%); highest among the groups gnomAD compares: Non-Finnish European, 0.00059%; no homozygotes.

Submissions (2):

Labcorp Genetics (formerly Invitae), Labcorp
Classification: Likely benign for Dilated cardiomyopathy 1G; Autosomal recessive limb-girdle muscular dystrophy type 2J. Last evaluated: 2025-07-23. Review status: criteria provided, single submitter. Criteria: Invitae Variant Classification Sherloc (09022015). Collection method: clinical testing. Allele origin: germline.

GeneDx
Classification: Likely benign. Last evaluated: 2017-05-09. Review status: criteria provided, single submitter. Criteria: GeneDx Variant Classification (06012015). Collection method: clinical testing. Allele origin: germline. Affected: yes.
Comment: This variant is considered likely benign or benign based on one or more of the following criteria: it is a conservative change, it occurs at a poorly conserved position in the protein, it is predicted to be benign by multiple in silico algorithms, and/or has population frequency not consistent with disease.

NM_001267550.2(TTN):c.23898T>C (p.Ser7966=)

Gene: TTN (titin; minus strand). Cytogenetic location: 2q31.2.
Variant type: single nucleotide variant.
Coding change: c.23898T>C on transcript NM_001267550.2 (MANE Select); coding-DNA position 23898, T replaced by C.
Protein change: p.Ser7966=; no amino-acid change (serine 7966 retained).
Molecular consequence: synonymous variant. On other transcripts: intron variant (3).
Genome position (GRCh38, 1-based): chr2:178,719,594, A>G on the plus strand (T>C on the coding strand, the complement: TTN is on the minus strand). VCF-style: chr2-178719594-A-G. GRCh37 (hg19) VCF-style: chr2-179584321-A-G.
Other names: c.22947T>C, p.Ser7649= (NM_001256850.1); c.20166T>C, p.Ser6722= (NM_133378.4); c.13282+18488T>C (NM_003319.4); c.13858+18488T>C (NM_133437.4); c.13657+18488T>C (NM_133432.3).
Identifiers: ClinVar variation 509526 (VCV000509526.2), dbSNP rs773116614, ClinGen allele CA2000551.